The following is an entry in ClinVar:

NM_001963.6(EGF):c.-102G>A

Gene: EGF (epidermal growth factor; plus strand). Cytogenetic location: 4q25.
Variant type: single nucleotide variant.
Coding change: c.-102G>A on transcript NM_001963.6 (MANE Select); 102 bases upstream of the start codon, G replaced by A.
Molecular consequence: 5 prime UTR variant.
Genome position (GRCh38, 1-based): chr4:109,913,234, G>A. VCF-style: chr4-109913234-G-A. GRCh37 (hg19) VCF-style: chr4-110834390-G-A.
Other names: c.-102G>A (NM_001178130.3, NM_001178131.3, NM_001357021.2).
Identifiers: ClinVar variation 347223 (VCV000347223.5), dbSNP rs11568848, ClinGen allele CA10619866.

ClinVar aggregate classification (germline): Likely benign (1 of 4 stars; one submission).

Conditions:
Renal hypomagnesemia 4. Also called: HYPOMAGNESEMIA, RENAL, NORMOCALCIURIC. Identifiers: Orphanet 34527, MedGen C2673648, MONDO:0012717, OMIM 611718.

Allele frequency attached by ClinVar (database versions not stated): 1000 Genomes Project 0.00080; gnomAD 0.00108 and 0.00110; TOPMed 0.00108; 1000 Genomes Project 30x 0.00141; gnomAD exomes 0.00147.
gnomAD v4.1: 2,118 of 1,496,942 alleles (0.14%); highest among the groups gnomAD compares: Middle Eastern, 0.26%; 4 homozygotes.

Submission:

Illumina Laboratory Services, Illumina
Classification: Likely benign for Renal hypomagnesemia 4. Last evaluated: 2018-01-12. Review status: criteria provided, single submitter. Criteria: ICSL Variant Classification Criteria 13 December 2019. Collection method: clinical testing. Allele origin: germline.
Comment: This variant was observed in the ICSL laboratory as part of a predisposition screen in an ostensibly healthy population. It had not been previously curated by ICSL or reported in the Human Gene Mutation Database (HGMD: prior to June 1st, 2018), and was therefore a candidate for classification through an automated scoring system. Utilizing variant allele frequency, disease prevalence and penetrance estimates, and inheritance mode, an automated score was calculated to assess if this variant is too frequent to cause the disease. Based on the score and internal cut-off values, a variant classified as likely benign is not then subjected to further curation. The score for this variant resulted in a classification of likely benign for this disease.